The following is an entry in ClinVar:

NM_001206641.3(COA6):c.244A>G (p.Met82Val)

Gene: COA6 (cytochrome c oxidase assembly factor 6; plus strand). Cytogenetic location: 1q42.2.
Variant type: single nucleotide variant.
Coding change: c.244A>G on transcript NM_001206641.3 (MANE Select); coding-DNA position 244, A replaced by G.
Protein change: p.Met82Val; replaces methionine 82 with valine.
Molecular consequence: missense variant.
Genome position (GRCh38, 1-based): chr1:234,374,261, A>G. VCF-style: chr1-234374261-A-G. GRCh37 (hg19) VCF-style: chr1-234510007-A-G.
Other names: c.154A>G, p.Met52Val (NM_001012985.2); c.16A>G, p.Met6Val (NM_001301733.1); short protein forms M52V, M82V, M6V.
Identifiers: ClinVar variation 2057929 (VCV002057929.7), dbSNP rs760557222, ClinGen allele CA1460039.

ClinVar aggregate classification (germline): Uncertain significance. Review status: criteria provided, multiple submitters, no conflicts (2 of 4 stars). 2 submissions from 2 submitters: Uncertain significance (2). Last evaluated 2025-10-29.

Conditions:
Inborn genetic diseases. Identifiers: MedGen C0950123, MeSH D030342.

Allele frequency attached by ClinVar (database versions not stated): ExAC 0.00002; gnomAD 0.00003; gnomAD exomes 0.00003.
gnomAD v4.1: 48 of 1,613,336 alleles (0.003%); highest among the groups gnomAD compares: Non-Finnish European, 0.0039%; no homozygotes.

Submissions (2):

Ambry Genetics
Classification: Uncertain significance for Inborn genetic diseases. Last evaluated: 2025-10-29. Review status: criteria provided, single submitter. Criteria: Ambry Variant Classification Scheme 2023. Collection method: clinical testing. Allele origin: germline.

Labcorp Genetics (formerly Invitae), Labcorp
Classification: Uncertain significance. Last evaluated: 2025-02-24. Review status: criteria provided, single submitter. Criteria: Invitae Variant Classification Sherloc (09022015). Collection method: clinical testing. Allele origin: germline.
Comment: This sequence change replaces methionine, which is neutral and non-polar, with valine, which is neutral and non-polar, at codon 52 of the COA6 protein (p.Met52Val). This variant is present in population databases (rs760557222, gnomAD 0.004%). This variant has not been reported in the literature in individuals affected with COA6-related conditions. ClinVar contains an entry for this variant (Variation ID: 2057929). An algorithm developed to predict the effect of missense changes on protein structure and function (PolyPhen-2) suggests that this variant is likely to be disruptive. In summary, the available evidence is currently insufficient to determine the role of this variant in disease. Therefore, it has been classified as a Variant of Uncertain Significance.